The following is an entry in ClinVar:

ClinVar aggregate classification (germline): Uncertain significance. Review status: criteria provided, multiple submitters, no conflicts (2 of 4 stars). 2 submissions from 2 submitters: Uncertain significance (2). Last evaluated 2024-11-27.

Conditions:
Inborn genetic diseases. Identifiers: MedGen C0950123, MeSH D030342.
Isolated microphthalmia 5. Also called: Posterior Microphthalmia with Retinitis Pigmentosa, Foveoschisis, and Optic Disc Drusen. Identifiers: Orphanet 251279, MedGen C1970236, MONDO:0012605, OMIM 611040.

Allele frequency attached by ClinVar (database versions not stated): gnomAD exomes below 0.00001 and 0.00002; gnomAD 0.00002.

Submissions (2):

Ambry Genetics
Classification: Uncertain significance for Inborn genetic diseases. Last evaluated: 2024-11-27. Review status: criteria provided, single submitter. Criteria: Ambry Variant Classification Scheme 2023. Collection method: clinical testing. Allele origin: germline.

Labcorp Genetics (formerly Invitae), Labcorp
Classification: Uncertain significance for Isolated microphthalmia 5. Last evaluated: 2024-06-03. Review status: criteria provided, single submitter. Criteria: Invitae Variant Classification Sherloc (09022015). Collection method: clinical testing. Allele origin: germline.
Comment: This sequence change replaces leucine, which is neutral and non-polar, with valine, which is neutral and non-polar, at codon 523 of the MFRP protein (p.Leu523Val). This variant is present in population databases (no rsID available, gnomAD 0.002%). This variant has not been reported in the literature in individuals affected with MFRP-related conditions. ClinVar contains an entry for this variant (Variation ID: 1441618). Advanced modeling of protein sequence and biophysical properties (such as structural, functional, and spatial information, amino acid conservation, physicochemical variation, residue mobility, and thermodynamic stability) has been performed at Invitae for this missense variant, however the output from this modeling did not meet the statistical confidence thresholds required to predict the impact of this variant on MFRP protein function. In summary, the available evidence is currently insufficient to determine the role of this variant in disease. Therefore, it has been classified as a Variant of Uncertain Significance.

NM_031433.4(MFRP):c.1567C>G (p.Leu523Val)

Genes: C1QTNF5 (C1q and TNF related 5; minus strand), MFRP (membrane frizzled-related protein; minus strand). Cytogenetic location: 11q23.3.
Variant type: single nucleotide variant.
Coding change: c.1567C>G on transcript NM_031433.4 (MANE Select); coding-DNA position 1567, C replaced by G.
Protein change: p.Leu523Val; replaces leucine 523 with valine.
Molecular consequence: missense variant. On other transcripts: 5 prime UTR variant (1).
Genome position (GRCh38, 1-based): chr11:119,341,721, G>C on the plus strand (C>G on the coding strand, the complement: MFRP is on the minus strand). VCF-style: chr11-119341721-G-C. GRCh37 (hg19) VCF-style: chr11-119212431-G-C.
Other names: c.-1070C>G (NM_015645.5); short protein forms L523V.
Identifiers: ClinVar variation 1441618 (VCV001441618.7), dbSNP rs1249804894, ClinGen allele CA382971665.